The following is an entry in ClinVar:

NM_153026.3(PRICKLE1):c.1516G>A (p.Ala506Thr)

Gene: PRICKLE1 (prickle planar cell polarity protein 1; minus strand). Cytogenetic location: 12q12.
Variant type: single nucleotide variant.
Coding change: c.1516G>A on transcript NM_153026.3 (MANE Select); coding-DNA position 1516, G replaced by A.
Protein change: p.Ala506Thr; replaces alanine 506 with threonine.
Molecular consequence: missense variant.
Genome position (GRCh38, 1-based): chr12:42,464,518, C>T on the plus strand (G>A on the coding strand, the complement: PRICKLE1 is on the minus strand). VCF-style: chr12-42464518-C-T. GRCh37 (hg19) VCF-style: chr12-42858320-C-T.
Other names: p.A506T:GCT>ACT; c.1516G>A, p.Ala506Thr (NM_001144881.2, NM_001144882.2, NM_001144883.2); short protein forms A506T.
Identifiers: ClinVar variation 206669 (VCV000206669.8), dbSNP rs796052932, ClinGen allele CA316992.
Genomic context (GRCh38, chr12:42,464,518, plus strand): 5'-CTGACAGACACTCCAGGGAATCTTCATACCACTGTGTTTCATCATGATTATACCCTGAAG[C>T]CCCATGGTCCAGTTCCAATTCCTGAAGCCTTCTACTGCTTGCAGGGCCTGGGTGGCTGCC-3'
Protein context (NP_694571.2, residues 496-516): RLQELELDHG[Ala506Thr]SGYNHDETQW

ClinVar aggregate classification (germline): Uncertain significance. Review status: criteria provided, multiple submitters, no conflicts (2 of 4 stars). 3 submissions from 3 submitters: Uncertain significance (3). Last evaluated 2025-09-24.

Conditions:
Epilepsy, progressive myoclonic, 1B. Also called: PME. Identifiers: Orphanet 308, MedGen C2676254, MONDO:0012904, OMIM 612437.

Allele frequency attached by ClinVar (database versions not stated): TOPMed below 0.00001; gnomAD 0.00001.
gnomAD v4.1: 7 of 1,613,898 alleles (0.00043%); highest among the groups gnomAD compares: African/African-American, 0.0027%; no homozygotes.

Submissions (3):

Ambry Genetics
Classification: Uncertain significance. Last evaluated: 2025-09-24. Review status: criteria provided, single submitter. Criteria: Ambry Variant Classification Scheme 2023. Collection method: clinical testing. Allele origin: germline.

Labcorp Genetics (formerly Invitae), Labcorp
Classification: Uncertain significance for Epilepsy, progressive myoclonic, 1B. Last evaluated: 2024-02-16. Review status: criteria provided, single submitter. Criteria: Invitae Variant Classification Sherloc (09022015). Collection method: clinical testing. Allele origin: germline.
Comment: This sequence change replaces alanine, which is neutral and non-polar, with threonine, which is neutral and polar, at codon 506 of the PRICKLE1 protein (p.Ala506Thr). This variant is not present in population databases (gnomAD no frequency). This variant has not been reported in the literature in individuals affected with PRICKLE1-related conditions. ClinVar contains an entry for this variant (Variation ID: 206669). Advanced modeling of protein sequence and biophysical properties (such as structural, functional, and spatial information, amino acid conservation, physicochemical variation, residue mobility, and thermodynamic stability) performed at Invitae indicates that this missense variant is not expected to disrupt PRICKLE1 protein function with a negative predictive value of 80%. In summary, the available evidence is currently insufficient to determine the role of this variant in disease. Therefore, it has been classified as a Variant of Uncertain Significance.

GeneDx
Classification: Uncertain significance. Last evaluated: 2014-11-18. Review status: criteria provided, single submitter. Criteria: GeneDx Variant Classification (06012015). Collection method: clinical testing. Allele origin: germline. Affected: yes.
Comment: p.Ala506Thr (GCT>ACT): c.1516 G>A in exon 7 of the PRICKLE1 gene (NM_153026.2). The A506T variant has not been published as a mutation, nor has it been reported as a benign polymorphism to our knowledge. It was not observed in approximately 6,500 individuals of European and African American ancestry in the NHLBI Exome Sequencing Project, indicating it is not a common benign variant in these populations. The A506T variant is a non-conservative amino acid substitution, which is likely to impact secondary protein structure as these residues differ in polarity, charge, size and/or other properties. This substitution occurs at a position that is conserved through mammals. In silico analysis is inconsistent in its predictions as to whether or not the variant is damaging to the protein structure/function. Therefore, based on the currently available information, it is unclear whether this variant is a pathogenic mutation or a rare benign variant. The variant is found in CHILD-EPI panel(s).